The following is an entry in ClinVar:

ClinVar aggregate classification (germline): Pathogenic (3 of 4 stars; one submission).

Conditions:
Breast-ovarian cancer, familial, susceptibility to, 2 (BROVCA2). Also called: BRCA2 Hereditary Breast and Ovarian Cancer. Identifiers: Orphanet 145, MedGen C2675520, MONDO:0012933, OMIM 612555. Disease mechanism: loss of function.

Submission:

Evidence-based Network for the Interpretation of Germline Mutant Alleles (ENIGMA)
Classification: Pathogenic for Breast-ovarian cancer, familial, susceptibility to, 2. Last evaluated: 2016-09-08. Review status: reviewed by expert panel. Criteria: ENIGMA BRCA1/2 Classification Criteria (2015). Collection method: curation. Allele origin: germline.
Comment: Variant allele predicted to encode a truncated non-functional protein.

NM_000059.4(BRCA2):c.7433dup (p.Leu2478fs)

Gene: BRCA2 (BRCA2 DNA repair associated; plus strand). Cytogenetic location: 13q13.1.
Variant type: Duplication.
Coding change: c.7433dup on transcript NM_000059.4 (MANE Select); coding-DNA position 7433, one base duplicated (T; older notation c.7433dupT).
Protein change: p.Leu2478fs; shifts the reading frame from leucine 2478.
Molecular consequence: frameshift variant.
Genome position (GRCh38, 1-based): chr13:32,355,286, T duplicated; the last of 3 consecutive T bases (chr13:32,355,284-32,355,286); duplicating any one gives the same sequence. VCF-style (leftmost placement, unchanged base first): chr13-32355283-C-CT. GRCh37 (hg19) VCF-style: chr13-32929420-C-CT.
Other names: c.7433dupT (NM_000059.3); short protein forms L2478fs.
Identifiers: ClinVar variation 254604 (VCV000254604.4), dbSNP rs779007406, ClinGen allele CA6941090.